The following is an entry in ClinVar:

ClinVar aggregate classification (germline): Benign/Likely benign. Review status: criteria provided, multiple submitters, no conflicts (2 of 4 stars). 4 submissions from 4 submitters: Benign (1); Likely benign (3). Last evaluated 2026-03-01.

Conditions:
Generalized epilepsy-paroxysmal dyskinesia syndrome (PNKD3). Also called: Paroxysmal nonkinesigenic dyskinesia, 3, with or without generalized epilepsy; Generalized epilepsy and paroxysmal dyskinesia. Identifiers: Orphanet 79137, MedGen C5574945, MONDO:0012276, OMIM 609446.

Allele frequency attached by ClinVar (database versions not stated): gnomAD 0.00004; gnomAD exomes 0.00005 and 0.00009; TOPMed 0.00007; ExAC 0.00008; ESP Exome Variant Server 0.00023.
gnomAD v4.1: 85 of 1,613,982 alleles (0.0053%); highest among the groups gnomAD compares: South Asian, 0.042%; 1 homozygote.

Submissions (4):

CeGaT Center for Human Genetics Tuebingen
Classification: Likely benign. Last evaluated: 2026-03-01. Review status: criteria provided, single submitter. Criteria: CeGaT Center For Human Genetics Tuebingen Variant Classification Criteria Version 2. Collection method: clinical testing. Allele origin: germline. Affected: yes. Observed: 1 variant allele.
Comment: KCNMA1: BP4, BP7

Labcorp Genetics (formerly Invitae), Labcorp
Classification: Likely benign for Generalized epilepsy-paroxysmal dyskinesia syndrome. Last evaluated: 2026-01-22. Review status: criteria provided, single submitter. Criteria: Invitae Variant Classification Sherloc (09022015). Collection method: clinical testing. Allele origin: germline.

Blueprint Genetics
Classification: Likely benign. Last evaluated: 2022-03-08. Review status: criteria provided, single submitter. Criteria: ACMG Guidelines, 2015. Collection method: clinical testing. Allele origin: germline.

Athena Diagnostics
Classification: Benign. Last evaluated: 2017-01-10. Review status: criteria provided, single submitter. Criteria: Athena Diagnostics Criteria. Collection method: clinical testing. Allele origin: germline.

NM_001161352.2(KCNMA1):c.2544C>T (p.Gly848=)

Genes: KCNMA1 (potassium calcium-activated channel subfamily M alpha 1; minus strand), KCNMA1-AS1 (KCNMA1 antisense RNA 1; plus strand). Cytogenetic location: 10q22.3.
Variant type: single nucleotide variant.
Coding change: c.2544C>T on transcript NM_001161352.2 (MANE Select); coding-DNA position 2544, C replaced by T.
Protein change: p.Gly848=; no amino-acid change (glycine 848 retained).
Molecular consequence: synonymous variant.
Genome position (GRCh38, 1-based): chr10:76,949,307, G>A on the plus strand (C>T on the coding strand, the complement: KCNMA1 is on the minus strand). VCF-style: chr10-76949307-G-A. GRCh37 (hg19) VCF-style: chr10-78709065-G-A.
Other names: c.2382C>T, p.Gly794= (NM_001014797.3, NM_001322835.2, NM_001322837.2); c.2493C>T, p.Gly831= (NM_001161353.2); c.2220C>T, p.Gly740= (NM_001271518.2); c.2379C>T, p.Gly793= (NM_001271519.2, NM_001322829.2, NM_001322836.2); c.2391C>T, p.Gly797= (NM_001322830.2); c.2370C>T, p.Gly790= (NM_001322832.2, NM_002247.4); c.1917C>T, p.Gly639= (NM_001322838.2).
Identifiers: ClinVar variation 447641 (VCV000447641.15), dbSNP rs139475681, ClinGen allele CA5568043.
Genomic context (GRCh38, chr10:76,949,307, plus strand): 5'-GTTGCTGGCACGGAGCGGCATCACCAGGTTCCGGAGGCCGATCAGGGCTGAGCTGACGTC[G>A]CCAAAGATGCAGACCACGACATGGCCACTCAGGACGGTCATGGCAGCTTCACTTCGAGTC-3'
Protein context (NP_001154824.1, residues 838-858): LSGHVVVCIF[Gly848=]DVSSALIGLR